The following is an entry in ClinVar:

ClinVar aggregate classification (germline): Uncertain significance (1 of 4 stars; one submission).

Conditions:
Myofibrillar myopathy 5. Also called: Filaminopathy (type); FILAMINOPATHY, AUTOSOMAL DOMINANT. Identifiers: Orphanet 171445, MedGen C1836050, MONDO:0012289, OMIM 609524.
Distal myopathy with posterior leg and anterior hand involvement. Also called: WILLIAMS DISTAL MYOPATHY. Identifiers: Orphanet 63273, MedGen C3279722, MONDO:0013550, OMIM 614065.
Hypertrophic cardiomyopathy 26. Also called: Cardiomyopathy, familial hypertrophic, 26. Identifiers: Orphanet 75249, MedGen C4310749, MONDO:0014883, OMIM 617047.

Submission:

Labcorp Genetics (formerly Invitae), Labcorp
Classification: Uncertain significance for Distal myopathy with posterior leg and anterior hand involvement; Myofibrillar myopathy 5; Hypertrophic cardiomyopathy 26. Last evaluated: 2022-07-22. Review status: criteria provided, single submitter. Criteria: Invitae Variant Classification Sherloc (09022015). Collection method: clinical testing. Allele origin: germline.
Comment: This sequence change replaces leucine, which is neutral and non-polar, with arginine, which is basic and polar, at codon 60 of the FLNC protein (p.Leu60Arg). This variant is not present in population databases (gnomAD no frequency). In summary, the available evidence is currently insufficient to determine the role of this variant in disease. Therefore, it has been classified as a Variant of Uncertain Significance. Algorithms developed to predict the effect of missense changes on protein structure and function are either unavailable or do not agree on the potential impact of this missense change (SIFT: "Deleterious"; PolyPhen-2: "Probably Damaging"; Align-GVGD: "Class C0"). This variant has not been reported in the literature in individuals affected with FLNC-related conditions.

NM_001458.5(FLNC):c.179T>G (p.Leu60Arg)

Gene: FLNC (filamin C; plus strand). Cytogenetic location: 7q32.1.
Variant type: single nucleotide variant.
Coding change: c.179T>G on transcript NM_001458.5 (MANE Select); coding-DNA position 179, T replaced by G.
Protein change: p.Leu60Arg; replaces leucine 60 with arginine.
Molecular consequence: missense variant.
Genome position (GRCh38, 1-based): chr7:128,830,816, T>G. VCF-style: chr7-128830816-T-G. GRCh37 (hg19) VCF-style: chr7-128470870-T-G.
Other names: c.179T>G, p.Leu60Arg (NM_001127487.2); short protein forms L60R.
Identifiers: ClinVar variation 1713328 (VCV001713328.6), dbSNP rs1807855891, ClinGen allele CA369216222.
Genomic context (GRCh38, chr7:128,830,816, plus strand): 5'-ACACATTCACGCGCTGGTGCAATGAGCACCTCAAGTGCGTGGGCAAGCGCCTGACCGACC[T>G]GCAGCGCGACCTCAGCGACGGGCTCCGGCTCATCGCGCTGCTCGAGGTGCTCAGCCAGAA-3'
Protein context (NP_001449.3, residues 50-70): LKCVGKRLTD[Leu60Arg]QRDLSDGLRL